The following is an entry in ClinVar:

NM_005996.4(TBX3):c.1271C>T (p.Ser424Phe)

Gene: TBX3 (T-box transcription factor 3; minus strand). Cytogenetic location: 12q24.21.
Variant type: single nucleotide variant.
Coding change: c.1271C>T on transcript NM_005996.4 (MANE Select); coding-DNA position 1271, C replaced by T.
Protein change: p.Ser424Phe; replaces serine 424 with phenylalanine.
Molecular consequence: missense variant.
Genome position (GRCh38, 1-based): chr12:114,674,604, G>A on the plus strand (C>T on the coding strand, the complement: TBX3 is on the minus strand). VCF-style: chr12-114674604-G-A. GRCh37 (hg19) VCF-style: chr12-115112409-G-A.
Other names: c.1331C>T, p.Ser444Phe (NM_016569.4); c.1331C>T (NM_016569.3); short protein forms S424F, S444F.
Identifiers: ClinVar variation 1254278 (VCV001254278.6), dbSNP rs1450439762, ClinGen allele CA386869268.

ClinVar aggregate classification (germline): Conflicting classifications of pathogenicity. Review status: criteria provided, conflicting classifications (1 of 4 stars). 2 submissions from 2 submitters: Uncertain significance (1); Likely benign (1). Last evaluated 2026-07-31.

Conditions:
TBX3-related disorder. Also called: TBX3-related condition.

Allele frequency attached by ClinVar (database versions not stated): gnomAD 0.00001; gnomAD exomes 0.00001; TOPMed 0.00001.
gnomAD v4.1: 11 of 1,599,950 alleles (0.00069%); highest among the groups gnomAD compares: Non-Finnish European, 0.00085%; no homozygotes.

Submissions (2):

PreventionGenetics, part of Exact Sciences
Classification: Uncertain significance for TBX3-related condition. Last evaluated: 2026-07-31. Review status: criteria provided, single submitter. Criteria: ACMG Guidelines, 2015. Collection method: clinical testing. Allele origin: germline.
Comment: The TBX3 c.1331C>T variant is predicted to result in the amino acid substitution p.Ser444Phe. To our knowledge, this variant has not been reported in the literature. This variant is reported in 0.0021% of alleles in individuals of European (Non-Finnish) descent in gnomAD. Although we suspect that this variant may be benign, at this time, the clinical significance of this variant is uncertain due to the absence of conclusive functional and genetic evidence.

GeneDx
Classification: Likely benign. Last evaluated: 2021-08-23. Review status: criteria provided, single submitter. Criteria: GeneDx Variant Classification Process June 2021. Collection method: clinical testing. Allele origin: germline. Affected: yes.
Comment: Not observed at a significant frequency in large population cohorts (Lek et al., 2016); In silico analysis supports that this missense variant does not alter protein structure/function; Has not been previously published as pathogenic or benign to our knowledge; This variant is associated with the following publications: (PMID: 27535533)